The following is an entry in ClinVar:

NM_014423.4(AFF4):c.3166C>G (p.Pro1056Ala)

Gene: AFF4 (ALF transcription elongation factor 4; minus strand). Cytogenetic location: 5q31.1.
Variant type: single nucleotide variant.
Coding change: c.3166C>G on transcript NM_014423.4 (MANE Select); coding-DNA position 3166, C replaced by G.
Protein change: p.Pro1056Ala; replaces proline 1056 with alanine.
Molecular consequence: missense variant.
Genome position (GRCh38, 1-based): chr5:132,883,538, G>C on the plus strand (C>G on the coding strand, the complement: AFF4 is on the minus strand). VCF-style: chr5-132883538-G-C. GRCh37 (hg19) VCF-style: chr5-132219230-G-C.
Other names: c.3166C>G (NM_014423.3); short protein forms P1056A.
Identifiers: ClinVar variation 2891364 (VCV002891364.4), dbSNP rs764563387, ClinGen allele CA3408710.
Genomic context (GRCh38, chr5:132,883,538, plus strand): 5'-CACTACTGGCCCCAGATGAATAATTTCCTGAATTGCCTGGTGACAGCTTTGGAGAAACAG[G>C]GGAAGGCATCCCCACAGCTTTGCTACACAACAGAAATAGGAAGCTTGTTCATATGGACAT-3'
Protein context (NP_055238.1, residues 1046-1066): LGSKAVGMPS[Pro1056Ala]VSPKLSPGNS

ClinVar aggregate classification (germline): Uncertain significance. Review status: criteria provided, single submitter (1 of 4 stars). 2 submissions from 2 submitters: Uncertain significance (1). 1 of the submissions does not count toward it. Last evaluated 2025-12-13.

Conditions:
Cognitive impairment - coarse facies - heart defects - obesity - pulmonary involvement - short stature - skeletal dysplasia syndrome. Also called: COGNITIVE IMPAIRMENT, COARSE FACIES, HEART DEFECTS, OBESITY, PULMONARY INVOLVEMENT, SHORT STATURE, AND SKELETAL DYSPLASIA; Chops syndrome; AFF4-Related CHOPS Syndrome. Identifiers: Orphanet 444077, MedGen C4085597, MONDO:0014609, OMIM 616368.
AFF4-related disorder. Also called: AFF4-related condition.

Allele frequency attached by ClinVar (database versions not stated): ExAC 0.00001; gnomAD exomes 0.00001.
gnomAD v4.1: 6 of 1,613,722 alleles (0.00037%); highest among the groups gnomAD compares: Admixed American, 0.0083%; no homozygotes.

Submissions (2):

Labcorp Genetics (formerly Invitae), Labcorp
Classification: Uncertain significance for Cognitive impairment - coarse facies - heart defects - obesity - pulmonary involvement - short stature - skeletal dysplasia syndrome. Last evaluated: 2025-12-13. Review status: criteria provided, single submitter. Criteria: Invitae Variant Classification Sherloc (09022015). Collection method: clinical testing. Allele origin: germline.
Comment: This sequence change replaces proline, which is neutral and non-polar, with alanine, which is neutral and non-polar, at codon 1056 of the AFF4 protein (p.Pro1056Ala). This variant is present in population databases (rs764563387, gnomAD 0.01%). This variant has not been reported in the literature in individuals affected with AFF4-related conditions. ClinVar contains an entry for this variant (Variation ID: 2891364). Invitae Evidence Modeling of protein sequence and biophysical properties (such as structural, functional, and spatial information, amino acid conservation, physicochemical variation, residue mobility, and thermodynamic stability) indicates that this missense variant is expected to disrupt AFF4 protein function with a positive predictive value of 80%. In summary, the available evidence is currently insufficient to determine the role of this variant in disease. Therefore, it has been classified as a Variant of Uncertain Significance.

PreventionGenetics, part of Exact Sciences
Classification: Uncertain significance for AFF4-related condition. Last evaluated: 2024-03-22. Review status: no assertion criteria provided. Collection method: clinical testing. Allele origin: germline. Not counted in ClinVar's aggregate classification.
Comment: The AFF4 c.3166C>G variant is predicted to result in the amino acid substitution p.Pro1056Ala. To our knowledge, this variant has not been reported in the literature. This variant is reported in 0.012% of alleles in individuals of Latino descent in gnomAD. Although we suspect that this variant may be benign, at this time, the clinical significance of this variant is uncertain due to the absence of conclusive functional and genetic evidence.